The following is an entry in ClinVar:

NM_000416.3(IFNGR1):c.92C>G (p.Thr31Arg)

Gene: IFNGR1 (interferon gamma receptor 1; minus strand). Cytogenetic location: 6q23.3.
Variant type: single nucleotide variant.
Coding change: c.92C>G on transcript NM_000416.3 (MANE Select); coding-DNA position 92, C replaced by G.
Protein change: p.Thr31Arg; replaces threonine 31 with arginine.
Molecular consequence: missense variant. On other transcripts: 5 prime UTR variant (1).
Genome position (GRCh38, 1-based): chr6:137,207,071, G>C on the plus strand (C>G on the coding strand, the complement: IFNGR1 is on the minus strand). VCF-style: chr6-137207071-G-C. GRCh37 (hg19) VCF-style: chr6-137528208-G-C.
Other names: c.62C>G, p.Thr21Arg (NM_001363526.1); c.-32C>G (NM_001363527.1); short protein forms T21R, T31R.
Identifiers: ClinVar variation 846885 (VCV000846885.9), dbSNP rs370074491, ClinGen allele CA4019052.

ClinVar aggregate classification (germline): Uncertain significance (1 of 4 stars; one submission).

Conditions:
Disseminated atypical mycobacterial infection. Identifiers: MedGen C0694566.

Allele frequency attached by ClinVar (database versions not stated): ESP Exome Variant Server 0.00008.
gnomAD v4.1: 29 of 1,613,712 alleles (0.0018%); highest among the groups gnomAD compares: African/African-American, 0.0027%; no homozygotes.

Submission:

Labcorp Genetics (formerly Invitae), Labcorp
Classification: Uncertain significance for Disseminated atypical mycobacterial infection. Last evaluated: 2024-05-15. Review status: criteria provided, single submitter. Criteria: Invitae Variant Classification Sherloc (09022015). Collection method: clinical testing. Allele origin: germline.
Comment: This sequence change replaces threonine, which is neutral and polar, with arginine, which is basic and polar, at codon 31 of the IFNGR1 protein (p.Thr31Arg). This variant is present in population databases (rs370074491, gnomAD 0.02%). This variant has not been reported in the literature in individuals affected with IFNGR1-related conditions. ClinVar contains an entry for this variant (Variation ID: 846885). Advanced modeling of protein sequence and biophysical properties (such as structural, functional, and spatial information, amino acid conservation, physicochemical variation, residue mobility, and thermodynamic stability) performed at Invitae indicates that this missense variant is not expected to disrupt IFNGR1 protein function with a negative predictive value of 80%. In summary, the available evidence is currently insufficient to determine the role of this variant in disease. Therefore, it has been classified as a Variant of Uncertain Significance.